The following is an entry in ClinVar:

ClinVar aggregate classification (germline): Uncertain significance. Review status: criteria provided, multiple submitters, no conflicts (2 of 4 stars). 2 submissions from 2 submitters: Uncertain significance (2). Last evaluated 2025-09-22.

Conditions:
Thrombomodulin-related bleeding disorder (THPH12). Also called: Thrombophilia due to thrombomodulin defect. Identifiers: Orphanet 436169, MedGen C3280976, MONDO:0013775, OMIM 614486.

Allele frequency attached by ClinVar (database versions not stated): gnomAD 0.00001.

Submissions (2):

Genomenon, Inc
Classification: Uncertain significance for Thrombomodulin-related bleeding disorder. Last evaluated: 2025-09-22. Review status: criteria provided, single submitter. Criteria: Genomenon Sequence Variant Interpretation Standards - Updated. Collection method: curation. Allele origin: germline. Affected: no.
Comment: THBD p.Glu392Lys (c.1174G>A) is a missense variant that changes the amino acid at residue 392 from Glutamic acid to Lysine. This variant has been reported in the published literature (PMID:12878585;12529320). It is absent or not present at a significant frequency in gnomAD. In conclusion, we classify THBD p.Glu392Lys (c.1174G>A) as a variant of unknown significance.

Labcorp Genetics (formerly Invitae), Labcorp
Classification: Uncertain significance. Last evaluated: 2024-10-15. Review status: criteria provided, single submitter. Criteria: Invitae Variant Classification Sherloc (09022015). Collection method: clinical testing. Allele origin: germline.
Comment: This sequence change replaces glutamic acid, which is acidic and polar, with lysine, which is basic and polar, at codon 392 of the THBD protein (p.Glu392Lys). This variant is not present in population databases (gnomAD no frequency). This variant has not been reported in the literature in individuals affected with THBD-related conditions. ClinVar contains an entry for this variant (Variation ID: 1369462). Invitae Evidence Modeling of protein sequence and biophysical properties (such as structural, functional, and spatial information, amino acid conservation, physicochemical variation, residue mobility, and thermodynamic stability) indicates that this missense variant is not expected to disrupt THBD protein function with a negative predictive value of 80%. In summary, the available evidence is currently insufficient to determine the role of this variant in disease. Therefore, it has been classified as a Variant of Uncertain Significance.

Literature cited by the submitters: PubMed 12878585 (cited by Genomenon, Inc); PubMed 12529320 (cited by Genomenon, Inc).

NM_000361.3(THBD):c.1174G>A (p.Glu392Lys)

Gene: THBD (thrombomodulin; minus strand). Cytogenetic location: 20p11.21.
Variant type: single nucleotide variant.
Coding change: c.1174G>A on transcript NM_000361.3 (MANE Select); coding-DNA position 1174, G replaced by A.
Protein change: p.Glu392Lys; replaces glutamic acid 392 with lysine.
Molecular consequence: missense variant.
Genome position (GRCh38, 1-based): chr20:23,048,331, C>T on the plus strand (G>A on the coding strand, the complement: THBD is on the minus strand). VCF-style: chr20-23048331-C-T. GRCh37 (hg19) VCF-style: chr20-23028968-C-T.
Other names: short protein forms E392K.
Identifiers: ClinVar variation 1369462 (VCV001369462.7), dbSNP rs765564641, ClinGen allele CA408406104.